The following is an entry in ClinVar:

NM_004408.4(DNM1):c.889C>T (p.Arg297Trp)

Gene: DNM1 (dynamin 1; plus strand). Cytogenetic location: 9q34.11.
Variant type: single nucleotide variant.
Coding change: c.889C>T on transcript NM_004408.4 (MANE Select); coding-DNA position 889, C replaced by T.
Protein change: p.Arg297Trp; replaces arginine 297 with tryptophan.
Molecular consequence: missense variant.
Genome position (GRCh38, 1-based): chr9:128,222,236, C>T. VCF-style: chr9-128222236-C-T. GRCh37 (hg19) VCF-style: chr9-130984515-C-T.
Other names: c.889C>T, p.Arg297Trp (NM_001005336.3, NM_001288737.2, NM_001288738.2 and 2 more transcripts); c.889C>T (NM_004408.3); short protein forms R297W.
Identifiers: ClinVar variation 2163219 (VCV002163219.12), dbSNP rs933803259, ClinGen allele CA200349745.

ClinVar aggregate classification (germline): Uncertain significance. Review status: criteria provided, multiple submitters, no conflicts (2 of 4 stars). 3 submissions from 3 submitters: Uncertain significance (3). Last evaluated 2025-09-01.

Conditions:
DNM1-related disorder. Also called: DNM1-related condition.
Developmental and epileptic encephalopathy, 31A. Also called: Developmental and epileptic encephalopathy, 31; Epileptic encephalopathy, early infantile, 31. Identifiers: Orphanet 2382, MedGen C4225357, MONDO:0014598, OMIM 616346.

Allele frequency attached by ClinVar (database versions not stated): gnomAD exomes below 0.00001; TOPMed 0.00002; gnomAD 0.00003.
gnomAD v4.1: 7 of 1,613,966 alleles (0.00043%); highest among the groups gnomAD compares: African/African-American, 0.0053%; no homozygotes.

Submissions (3):

CeGaT Center for Human Genetics Tuebingen
Classification: Uncertain significance. Last evaluated: 2025-09-01. Review status: criteria provided, single submitter. Criteria: CeGaT Center For Human Genetics Tuebingen Variant Classification Criteria Version 2. Collection method: clinical testing. Allele origin: germline. Affected: yes. Observed: 1 variant allele.
Comment: DNM1: PM2:Supporting, PP3

PreventionGenetics, part of Exact Sciences
Classification: Uncertain significance for DNM1-related condition. Last evaluated: 2023-05-15. Review status: criteria provided, single submitter. Criteria: ACMG Guidelines, 2015. Collection method: clinical testing. Allele origin: germline.
Comment: The DNM1 c.889C>T variant is predicted to result in the amino acid substitution p.Arg297Trp. This variant has been reported in an individual with a neurodevelopmental presentation, but no additional clinical details were provided (Supp. Data 5, Wang et al 2020. PubMed ID: 33004838). This variant is reported in 2 of ~283,000 alleles in gnomAD: However, the gnomAD NGS read data displays skewing in individuals heterozygous for this variant and should be interpreted with caution. At this time, the clinical significance of this variant is uncertain due to the absence of conclusive functional and genetic evidence.

Labcorp Genetics (formerly Invitae), Labcorp
Classification: Uncertain significance for Developmental and epileptic encephalopathy, 31A. Last evaluated: 2022-10-25. Review status: criteria provided, single submitter. Criteria: Invitae Variant Classification Sherloc (09022015). Collection method: clinical testing. Allele origin: germline.
Comment: In summary, the available evidence is currently insufficient to determine the role of this variant in disease. Therefore, it has been classified as a Variant of Uncertain Significance. Advanced modeling of protein sequence and biophysical properties (such as structural, functional, and spatial information, amino acid conservation, physicochemical variation, residue mobility, and thermodynamic stability) performed at Invitae indicates that this missense variant is expected to disrupt DNM1 protein function. This missense change has been observed in individual(s) with clinical features of DNM1-related conditions (PMID: 33004838). The frequency data for this variant in the population databases is considered unreliable, as metrics indicate poor data quality at this position in the gnomAD database. This sequence change replaces arginine, which is basic and polar, with tryptophan, which is neutral and slightly polar, at codon 297 of the DNM1 protein (p.Arg297Trp).

Literature cited by the submitters: PubMed 33004838 (cited by Labcorp Genetics (formerly Invitae), Labcorp).